The following is an entry in ClinVar:

NM_014251.3(SLC25A13):c.990C>A (p.Tyr330Ter)

Gene: SLC25A13 (solute carrier family 25 member 13; minus strand). Cytogenetic location: 7q21.3.
Variant type: single nucleotide variant.
Coding change: c.990C>A on transcript NM_014251.3 (MANE Select); coding-DNA position 990, C replaced by A.
Protein change: p.Tyr330Ter; replaces tyrosine 330 with a stop codon.
Molecular consequence: nonsense. On other transcripts: non-coding transcript variant (1).
Genome position (GRCh38, 1-based): chr7:96,184,955, G>T on the plus strand (C>A on the coding strand, the complement: SLC25A13 is on the minus strand). VCF-style: chr7-96184955-G-T. GRCh37 (hg19) VCF-style: chr7-95814267-G-T.
Other names: c.993C>A, p.Tyr331Ter (NM_001160210.2); short protein forms Y331*, Y330*.
Identifiers: ClinVar variation 2193074 (VCV002193074.5), dbSNP rs534585904, ClinGen allele CA4353073.
Genomic context (GRCh38, chr7:96,184,955, plus strand): 5'-AAGTGAAAATTTTTCTCTCATCCATGACTAACCTCCAGCAACAGAACCCAGACCAAACCT[G>T]TAGGCCGACTCTGCAACTTGTAGAAGAACTGGTCGAGCTGAATCACCTGAGGCCTTCTGC-3'

ClinVar aggregate classification (germline): Pathogenic/Likely pathogenic. Review status: criteria provided, multiple submitters, no conflicts (2 of 4 stars). 2 submissions from 2 submitters: Pathogenic (1); Likely pathogenic (1). Last evaluated 2023-05-21.

Conditions:
Citrin deficiency. Identifiers: Orphanet 247582, MedGen C1997910, MONDO:0016602.
Citrullinemia, type II, adult-onset (CDAA). Also called: CITRIN DEFICIENCY, ADOLESCENT OR ADULT ONSET. Identifiers: Orphanet 247585, MedGen CN295299, MONDO:0011326, OMIM 603471.

Allele frequency attached by ClinVar (database versions not stated): ExAC 0.00002.
gnomAD v4.1: 14 of 1,614,184 alleles (0.00087%); highest among the groups gnomAD compares: Non-Finnish European, 0.0012%; no homozygotes.

Submissions (2):

Baylor Genetics
Classification: Likely pathogenic for Citrullinemia, type II, adult-onset. Last evaluated: 2023-05-21. Review status: criteria provided, single submitter. Criteria: ACMG Guidelines, 2015. Collection method: clinical testing. Allele origin: unknown.

Labcorp Genetics (formerly Invitae), Labcorp
Classification: Pathogenic for Citrin deficiency. Last evaluated: 2022-05-21. Review status: criteria provided, single submitter. Criteria: Invitae Variant Classification Sherloc (09022015). Collection method: clinical testing. Allele origin: germline.
Comment: For these reasons, this variant has been classified as Pathogenic. This variant has not been reported in the literature in individuals affected with SLC25A13-related conditions. This variant is present in population databases (rs534585904, gnomAD 0.002%). This sequence change creates a premature translational stop signal (p.Tyr330*) in the SLC25A13 gene. It is expected to result in an absent or disrupted protein product. Loss-of-function variants in SLC25A13 are known to be pathogenic (PMID: 10369257, 14680984, 27405544).

Literature cited by the submitters: PubMed 10369257 (cited by Labcorp Genetics (formerly Invitae), Labcorp); PubMed 14680984 (cited by Labcorp Genetics (formerly Invitae), Labcorp); PubMed 27405544 (cited by Labcorp Genetics (formerly Invitae), Labcorp).